The following is an entry in ClinVar:

ClinVar aggregate classification (germline): Uncertain significance (1 of 4 stars; one submission).

Conditions:
RASopathy. Also called: rasopathies; Noonan spectrum disorder. Identifiers: Orphanet 536391, MedGen C5555857, MONDO:0021060.

Submission:

Labcorp Genetics (formerly Invitae), Labcorp
Classification: Uncertain significance for RASopathy. Last evaluated: 2024-01-17. Review status: criteria provided, single submitter. Criteria: Invitae Variant Classification Sherloc (09022015). Collection method: clinical testing. Allele origin: germline.
Comment: This sequence change replaces lysine, which is basic and polar, with arginine, which is basic and polar, at codon 322 of the PTPN11 protein (p.Lys322Arg). This variant is not present in population databases (gnomAD no frequency). This variant has not been reported in the literature in individuals affected with PTPN11-related conditions. Advanced modeling of protein sequence and biophysical properties (such as structural, functional, and spatial information, amino acid conservation, physicochemical variation, residue mobility, and thermodynamic stability) has been performed at Invitae for this missense variant, however the output from this modeling did not meet the statistical confidence thresholds required to predict the impact of this variant on PTPN11 protein function. In summary, the available evidence is currently insufficient to determine the role of this variant in disease. Therefore, it has been classified as a Variant of Uncertain Significance.

NM_002834.5(PTPN11):c.965A>G (p.Lys322Arg)

Gene: PTPN11 (protein tyrosine phosphatase non-receptor type 11; plus strand). Cytogenetic location: 12q24.13.
Variant type: single nucleotide variant.
Coding change: c.965A>G on transcript NM_002834.5 (MANE Select); coding-DNA position 965, A replaced by G.
Protein change: p.Lys322Arg; replaces lysine 322 with arginine.
Molecular consequence: missense variant.
Genome position (GRCh38, 1-based): chr12:112,477,888, A>G. VCF-style: chr12-112477888-A-G. GRCh37 (hg19) VCF-style: chr12-112915692-A-G.
Other names: c.965A>G, p.Lys322Arg (NM_001330437.2, NM_080601.3); c.962A>G, p.Lys321Arg (NM_001374625.1); short protein forms K322R, K321R.
Identifiers: ClinVar variation 2709778 (VCV002709778.3), dbSNP rs2540452238, ClinGen allele CA386791166.